The following is an entry in ClinVar:

NM_032119.4(ADGRV1):c.10411_10412delinsAG (p.Glu3471Arg)

Gene: ADGRV1 (adhesion G protein-coupled receptor V1; plus strand). Cytogenetic location: 5q14.3.
Variant type: Indel.
Coding change: c.10411_10412delinsAG on transcript NM_032119.4 (MANE Select); coding-DNA positions 10411 to 10412, GA replaced by AG.
Protein change: p.Glu3471Arg; replaces glutamic acid 3471 with arginine.
Molecular consequence: missense variant. On other transcripts: non-coding transcript variant (1).
Genome position (GRCh38, 1-based): chr5:90,728,918-90,728,919, GA replaced by AG. VCF-style: chr5-90728918-GA-AG. GRCh37 (hg19) VCF-style: chr5-90024735-GA-AG.
Other names: short protein forms E3471R.
Identifiers: ClinVar variation 430285 (VCV000430285.9), dbSNP rs1131691886, ClinGen allele CA645369316.

ClinVar aggregate classification (germline): Uncertain significance. Review status: criteria provided, multiple submitters, no conflicts (2 of 4 stars). 2 submissions from 2 submitters: Uncertain significance (2). Last evaluated 2025-01-06.

Submissions (2):

Labcorp Genetics (formerly Invitae), Labcorp
Classification: Uncertain significance. Last evaluated: 2025-01-06. Review status: criteria provided, single submitter. Criteria: Invitae Variant Classification Sherloc (09022015). Collection method: clinical testing. Allele origin: germline.
Comment: This sequence change replaces glutamic acid, which is acidic and polar, with arginine, which is basic and polar, at codon 3471 of the ADGRV1 protein (p.Glu3471Arg). The frequency data for this variant in the population databases is considered unreliable, as metrics indicate poor data quality at this position in the gnomAD database. This variant has not been reported in the literature in individuals affected with ADGRV1-related conditions. ClinVar contains an entry for this variant (Variation ID: 430285). An algorithm developed to predict the effect of missense changes on protein structure and function (PolyPhen-2) suggests that this variant¬†is likely to be tolerated. In summary, the available evidence is currently insufficient to determine the role of this variant in disease. Therefore, it has been classified as a Variant of Uncertain Significance.

GeneDx
Classification: Uncertain significance. Last evaluated: 2017-05-13. Review status: criteria provided, single submitter. Criteria: GeneDx Variant Classification (06012015). Collection method: clinical testing. Allele origin: germline. Affected: yes.
Comment: The c.10411_10412delGAinsAG variant in the ADGRV1 gene has not been reported previously as a pathogenic variant nor as a benign variant, to our knowledge. The c.10411_10412delGAinsAG variant results in an in-frame substitution of Glutamine 471 with an Arginine residue, denoted p.E3471R. This missense substitution is a non-conservative amino acid substitution, which is likely to impact secondary protein structure as these residues differ in polarity, charge, size and/or other properties. This substitution occurs at a position that is not conserved across species, and in silico analysis predicts this variant likely does not alter the protein structure/function. The c.10411_10412delGAinsAG variant is not observed in large population cohorts (Lek et al., 2016; 1000 Genomes Consortium et al., 2015; Exome Variant Server). We interpret c.10411_10412delGAinsAG as a variant of uncertain significance.